The following is an entry in ClinVar:

ClinVar aggregate classification (germline): Likely benign. Review status: criteria provided, multiple submitters, no conflicts (2 of 4 stars). 3 submissions from 3 submitters: Likely benign (3). Last evaluated 2025-09-14.

Conditions:
Malignant hyperthermia, susceptibility to, 1 (MHS1). Also called: Anesthesia related hyperthermia; Malignant hyperpyrexia; Fulminating hyperpyrexia; Pharmacogenic myopathy; Malignant hyperthermia suceptibility 1; RYR1-Related Malignant Hyperthermia Susceptibility. Identifiers: Orphanet 423, MedGen C2930980, MONDO:0007783, OMIM 145600.
RYR1-related disorder. Also called: RYR1-related condition; RYR1-related disorders. Identifiers: MedGen CN239331.

Allele frequency attached by ClinVar (database versions not stated): gnomAD exomes below 0.00001.
gnomAD v4.1: 3 of 1,614,088 alleles (0.00019%); highest among the groups gnomAD compares: Non-Finnish European, 0.00025%; no homozygotes.

Submissions (3):

Labcorp Genetics (formerly Invitae), Labcorp
Classification: Likely benign for RYR1-related disorder. Last evaluated: 2025-09-14. Review status: criteria provided, single submitter. Criteria: Invitae Variant Classification Sherloc (09022015). Collection method: clinical testing. Allele origin: germline.

All of Us Research Program, National Institutes of Health
Classification: Likely benign for Malignant hyperthermia, susceptibility to, 1. Last evaluated: 2023-08-28. Review status: criteria provided, single submitter. Criteria: ACMG Guidelines, 2015. Collection method: clinical testing. Allele origin: germline. Inheritance: Autosomal dominant inheritance. Observed: 1 variant allele, 1 heterozygote.
Comment: This study involves interpretation of variants in research participants for the purpose of population health screening. Participant phenotype was not available at the time of variant classification. Additional details can be found in publication PMID: 35346344, PMCID: PMC8962531

Color Diagnostics, LLC DBA Color Health
Classification: Likely benign for Malignant hyperthermia, susceptibility to, 1. Last evaluated: 2023-08-16. Review status: criteria provided, single submitter. Criteria: ACMG Guidelines, 2015. Collection method: clinical testing. Allele origin: germline.

NM_000540.3(RYR1):c.8151C>T (p.Ala2717=)

Gene: RYR1 (ryanodine receptor 1; plus strand). Cytogenetic location: 19q13.2.
Variant type: single nucleotide variant.
Coding change: c.8151C>T on transcript NM_000540.3 (MANE Select); coding-DNA position 8151, C replaced by T.
Protein change: p.Ala2717=; no amino-acid change (alanine 2717 retained).
Molecular consequence: synonymous variant.
Genome position (GRCh38, 1-based): chr19:38,504,831, C>T. VCF-style: chr19-38504831-C-T. GRCh37 (hg19) VCF-style: chr19-38995471-C-T.
Other names: c.8151C>T, p.Ala2717= (NM_001042723.2).
Identifiers: ClinVar variation 2720234 (VCV002720234.5), dbSNP rs2145629043, ClinGen allele CA507354255.